The following is an entry in ClinVar:

ClinVar aggregate classification (germline): Uncertain significance (1 of 4 stars; one submission).

Conditions:
Juvenile onset Parkinson disease 19A. Also called: PARK19; DNAJC6 Parkinson Disease. Identifiers: Orphanet 391411, MedGen C3809811, MONDO:0014231, OMIM 615528.

gnomAD v4.1: 1 of 1,614,092 alleles (0.000062%); highest among the groups gnomAD compares: Non-Finnish European, 0.000085%; no homozygotes.

Submission:

Labcorp Genetics (formerly Invitae), Labcorp
Classification: Uncertain significance for Juvenile onset Parkinson disease 19A. Last evaluated: 2018-05-25. Review status: criteria provided, single submitter. Criteria: Invitae Variant Classification Sherloc (09022015). Collection method: clinical testing. Allele origin: germline.
Comment: In summary, the available evidence is currently insufficient to determine the role of this variant in disease. Therefore, it has been classified as a Variant of Uncertain Significance. Algorithms developed to predict the effect of missense changes on protein structure and function do not agree on the potential impact of this missense change (SIFT: "Tolerated"; PolyPhen-2: "Probably Damaging"; Align-GVGD: "Class C0"). This variant has not been reported in the literature in individuals with DNAJC6-related disease. This variant is not present in population databases (ExAC no frequency). This sequence change replaces arginine with proline at codon 823 of the DNAJC6 protein (p.Arg823Pro). The arginine residue is moderately conserved and there is a moderate physicochemical difference between arginine and proline.

NM_001256864.2(DNAJC6):c.2468G>C (p.Arg823Pro)

Gene: DNAJC6 (DnaJ heat shock protein family (Hsp40) member C6; plus strand). Cytogenetic location: 1p31.3.
Variant type: single nucleotide variant.
Coding change: c.2468G>C on transcript NM_001256864.2 (MANE Select); coding-DNA position 2468, G replaced by C.
Protein change: p.Arg823Pro; replaces arginine 823 with proline.
Molecular consequence: missense variant.
Genome position (GRCh38, 1-based): chr1:65,406,110, G>C. VCF-style: chr1-65406110-G-C. GRCh37 (hg19) VCF-style: chr1-65871793-G-C.
Other names: c.2258G>C, p.Arg753Pro (NM_001256865.2); c.2297G>C, p.Arg766Pro (NM_014787.4); short protein forms R823P, R753P, R766P.
Identifiers: ClinVar variation 569095 (VCV000569095.8), dbSNP rs201984806, ClinGen allele CA340716547.